The following is an entry in ClinVar:

ClinVar aggregate classification (germline): Uncertain significance (1 of 4 stars; one submission).

Submission:

Ambry Genetics
Classification: Uncertain significance. Last evaluated: 2025-10-25. Review status: criteria provided, single submitter. Criteria: Ambry Variant Classification Scheme 2023. Collection method: clinical testing. Allele origin: germline.
Comment: The p.D747G variant (also known as c.2240A>G), located in coding exon 13 of the GEN1 gene, results from an A to G substitution at nucleotide position 2240. The aspartic acid at codon 747 is replaced by glycine, an amino acid with similar properties. This amino acid position is conserved. In addition, this alteration is predicted to be tolerated by in silico analysis. Based on the available evidence, the clinical significance of this variant remains unclear.

NM_001130009.3(GEN1):c.2240A>G (p.Asp747Gly)

Gene: GEN1 (GEN1 structure-specific endonuclease; plus strand). Cytogenetic location: 2p24.2.
Variant type: single nucleotide variant.
Coding change: c.2240A>G on transcript NM_001130009.3 (MANE Select); coding-DNA position 2240, A replaced by G.
Protein change: p.Asp747Gly; replaces aspartic acid 747 with glycine.
Molecular consequence: missense variant.
Genome position (GRCh38, 1-based): chr2:17,781,452, A>G. VCF-style: chr2-17781452-A-G. GRCh37 (hg19) VCF-style: chr2-17962719-A-G.
Other names: c.2240A>G, p.Asp747Gly (NM_182625.5); short protein forms D747G.
Identifiers: ClinVar variation 4671481 (VCV004671481.1).